The following is an entry in ClinVar:

NM_000278.5(PAX2):c.219C>T (p.Tyr73=)

Gene: PAX2 (paired box 2; plus strand). Cytogenetic location: 10q24.31.
Variant type: single nucleotide variant.
Coding change: c.219C>T on transcript NM_000278.5 (MANE Select); coding-DNA position 219, C replaced by T.
Protein change: p.Tyr73=; no amino-acid change (tyrosine 73 retained).
Molecular consequence: synonymous variant.
Genome position (GRCh38, 1-based): chr10:100,750,700, C>T. VCF-style: chr10-100750700-C-T. GRCh37 (hg19) VCF-style: chr10-102510457-C-T.
Other names: c.219C>T (NM_003990.4); c.312C>T, p.Tyr104= (NM_001304569.2); c.219C>T, p.Tyr73= (NM_003987.5, NM_003988.5, NM_003989.5 and 1 more transcripts).
Identifiers: ClinVar variation 1560711 (VCV001560711.11), dbSNP rs139724326, ClinGen allele CA5650687.
Genomic context (GRCh38, chr10:100,750,700, plus strand): 5'-CCCTGCCCCGCCACAGTCCGCTTCTGGCTGACCCCGCCGGCTTTCCCGGCGCAGGTACTA[C>T]GAGACCGGCAGCATCAAGCCGGGTGTGATCGGTGGCTCCAAGCCCAAAGTGGCGACGCCC-3'
Protein context (NP_000269.3, residues 63-83): GCVSKILGRY[Tyr73=]ETGSIKPGVI

ClinVar aggregate classification (germline): Likely benign. Review status: criteria provided, multiple submitters, no conflicts (2 of 4 stars). 3 submissions from 3 submitters: Likely benign (2). 1 of the submissions does not count toward it. Last evaluated 2026-01-26.

Conditions:
PAX2-Related Disorder. Also called: PAX2-related disorders. Identifiers: MedGen CN381309.
Renal coloboma syndrome (PAPRS). Also called: PAPILLORENAL SYNDROME WITH MILD OCULAR ABNORMALITIES; CONGENITAL ANOMALIES OF THE KIDNEY AND URINARY TRACT WITH OR WITHOUT OCULAR ABNORMALITIES; CAKUT WITH OR WITHOUT OCULAR ABNORMALITIES; OPTIC COLOBOMA, VESICOURETERAL REFLUX, AND RENAL ANOMALIES; OPTIC NERVE COLOBOMA WITH RENAL DISEASE; RENAL-COLOBOMA SYNDROME WITH MACULAR ABNORMALITIES. Identifiers: Orphanet 1475, MedGen C1852759, MONDO:0007352, OMIM 120330.
Focal segmental glomerulosclerosis 7 (FSGS7). Identifiers: Orphanet 656, MedGen C4014925, MONDO:0014451, OMIM 616002.

Allele frequency attached by ClinVar (database versions not stated): gnomAD exomes 0.00006 and 0.00015; ExAC 0.00008; gnomAD 0.00008 and 0.00009; TOPMed 0.00008; ESP Exome Variant Server 0.00023.
gnomAD v4.1: 227 of 1,613,890 alleles (0.014%); highest among the groups gnomAD compares: Non-Finnish European, 0.018%; no homozygotes.

Submissions (3):

Labcorp Genetics (formerly Invitae), Labcorp
Classification: Likely benign for Renal coloboma syndrome; Focal segmental glomerulosclerosis 7. Last evaluated: 2026-01-26. Review status: criteria provided, single submitter. Criteria: Invitae Variant Classification Sherloc (09022015). Collection method: clinical testing. Allele origin: germline.

Blueprint Genetics
Classification: Likely benign. Last evaluated: 2024-11-19. Review status: criteria provided, single submitter. Criteria: ACMG Guidelines, 2015. Collection method: clinical testing. Allele origin: germline.

PreventionGenetics, part of Exact Sciences
Classification: Likely benign for PAX2-related condition. Last evaluated: 2019-02-27. Review status: no assertion criteria provided. Collection method: clinical testing. Allele origin: germline. Not counted in ClinVar's aggregate classification.
Comment: This variant is classified as likely benign based on ACMG/AMP sequence variant interpretation guidelines (Richards et al. 2015 PMID: 25741868, with internal and published modifications).